The following is an entry in ClinVar:

ClinVar aggregate classification (germline): Likely benign. Review status: criteria provided, single submitter (1 of 4 stars). 2 submissions from 2 submitters: Likely benign (1). 1 of the submissions does not count toward it. Last evaluated 2024-10-22.

Conditions:
LIMA1-related disorder. Also called: LIMA1-related condition.

Submissions (2):

Blueprint Genetics
Classification: Likely benign. Last evaluated: 2024-10-22. Review status: criteria provided, single submitter. Criteria: ACMG Guidelines, 2015. Collection method: clinical testing. Allele origin: germline.

PreventionGenetics, part of Exact Sciences
Classification: Likely benign for LIMA1-related condition. Last evaluated: 2019-08-28. Review status: no assertion criteria provided. Collection method: clinical testing. Allele origin: germline. Not counted in ClinVar's aggregate classification.
Comment: This variant is classified as likely benign based on ACMG/AMP sequence variant interpretation guidelines (Richards et al. 2015 PMID: 25741868, with internal and published modifications).

NM_016357.5(LIMA1):c.973-8_973-5del

Gene: LIMA1 (LIM domain and actin binding 1; minus strand). Cytogenetic location: 12q13.12.
Variant type: Deletion.
Coding change: c.973-8_973-5del on transcript NM_016357.5 (MANE Select); 8 bases into the intron before coding-DNA position 973 through 5 bases into the intron before coding-DNA position 973, 4 bases deleted (TTTT; older notation c.973-8_973-5delTTTT).
Molecular consequence: intron variant.
Genome position (GRCh38, 1-based): chr12:50,195,892-50,195,895, AAAA deleted on the plus strand (TTTT on the coding strand, the reverse complement: LIMA1 is on the minus strand); deleting any 4 consecutive bases within chr12:50,195,892-50,195,912 gives the same sequence; the c. name uses the placement nearest the transcript's 3' end. VCF-style (leftmost placement, unchanged base first): chr12-50195891-CAAAA-C. GRCh37 (hg19) VCF-style: chr12-50589674-CAAAA-C.
Other names: c.700-8_700-5del (NM_001394893.1); c.739-8_739-5del (NM_001394892.1); c.973-8_973-5del (NM_001394891.1, NM_001394890.1, NM_001394889.1 and 4 more transcripts); c.493-8_493-5del (NM_001113547.2); c.67-8_67-5del (NM_001243775.2).
Identifiers: ClinVar variation 3042072 (VCV003042072.3), dbSNP rs373254884, ClinGen allele CA947534913.